The following is an entry in ClinVar:

ClinVar aggregate classification (germline): Uncertain significance (1 of 4 stars; one submission).

Conditions:
Cardiovascular phenotype. Identifiers: MedGen CN230736.

gnomAD v4.1: 1 of 1,280,466 alleles (0.000078%); highest among the groups gnomAD compares: South Asian, 0.0027%; no homozygotes.

Submission:

Ambry Genetics
Classification: Uncertain significance for Cardiovascular phenotype. Last evaluated: 2025-01-06. Review status: criteria provided, single submitter. Criteria: Ambry Variant Classification Scheme 2023. Collection method: clinical testing. Allele origin: germline.
Comment: The p.A124D variant (also known as c.371C>A), located in coding exon 1 of the GATA4 gene, results from a C to A substitution at nucleotide position 371. The alanine at codon 124 is replaced by aspartic acid, an amino acid with dissimilar properties. This amino acid position is conserved. In addition, the in silico prediction for this alteration is inconclusive. Based on the available evidence, the clinical significance of this variant remains unclear.

NM_001308093.3(GATA4):c.371C>A (p.Ala124Asp)

Gene: GATA4 (GATA binding protein 4). Cytogenetic location: 8p23.1.
Variant type: single nucleotide variant.
Coding change: c.371C>A on transcript NM_001308093.3 (MANE Select); coding-DNA position 371, C replaced by A.
Protein change: p.Ala124Asp; replaces alanine 124 with aspartic acid.
Molecular consequence: missense variant. On other transcripts: intron variant (3).
Genome position (GRCh38, 1-based): chr8:11,708,683, C>A. VCF-style: chr8-11708683-C-A. GRCh37 (hg19) VCF-style: chr8-11566192-C-A.
Other names: c.371C>A, p.Ala124Asp (NM_002052.5); c.-6+7905C>A (NM_001308094.2); c.-3+669C>A (NM_001374274.1); c.-3+4379C>A (NM_001374273.1); short protein forms A124D.
Identifiers: ClinVar variation 3853046 (VCV003853046.1).